The following is an entry in ClinVar:

ClinVar aggregate classification (germline): Uncertain significance. Review status: criteria provided, multiple submitters, no conflicts (2 of 4 stars). 6 submissions from 6 submitters: Uncertain significance (6). Last evaluated 2025-11-13.

Conditions:
Cardiovascular phenotype. Identifiers: MedGen CN230736.
Catecholaminergic polymorphic ventricular tachycardia (CVPT). Also called: Catecholamine-induced polymorphic ventricular tachycardia. Identifiers: Orphanet 3286, MedGen C5574922, MONDO:0017990.
Cardiomyopathy (CMYO). Also called: Cardiomyopathies. Identifiers: Orphanet 167848, MedGen C0878544, MONDO:0004994, HP:0001638. Inheritance: Various modes of inheritance.
Catecholaminergic polymorphic ventricular tachycardia 1. Also called: VENTRICULAR TACHYCARDIA, CATECHOLAMINERGIC POLYMORPHIC, 1, WITH OR WITHOUT ATRIAL DYSFUNCTION AND/OR DILATED CARDIOMYOPATHY; RYR2-Related Catecholaminergic Polymorphic Ventricular Tachycardia; VENTRICULAR TACHYCARDIA, STRESS-INDUCED POLYMORPHIC 1. Identifiers: Orphanet 3286, MedGen C1631597, MONDO:0011484, OMIM 604772.

Allele frequency attached by ClinVar (database versions not stated): gnomAD exomes below 0.00001 and 0.00001; TOPMed 0.00005.
gnomAD v4.1: 16 of 1,603,246 alleles (0.001%); highest among the groups gnomAD compares: African/African-American, 0.0054%; no homozygotes.

Submissions (6):

Labcorp Genetics (formerly Invitae), Labcorp
Classification: Uncertain significance for Catecholaminergic polymorphic ventricular tachycardia 1. Last evaluated: 2025-11-13. Review status: criteria provided, single submitter. Criteria: Invitae Variant Classification Sherloc (09022015). Collection method: clinical testing. Allele origin: germline.
Comment: This sequence change replaces arginine, which is basic and polar, with cysteine, which is neutral and slightly polar, at codon 801 of the RYR2 protein (p.Arg801Cys). The frequency data for this variant in the population databases is considered unreliable, as metrics indicate poor data quality at this position in the gnomAD database. This variant has not been reported in the literature in individuals affected with RYR2-related conditions. ClinVar contains an entry for this variant (Variation ID: 404180). Invitae Evidence Modeling of protein sequence and biophysical properties (such as structural, functional, and spatial information, amino acid conservation, physicochemical variation, residue mobility, and thermodynamic stability) indicates that this missense variant is not expected to disrupt RYR2 protein function with a negative predictive value of 95%. In summary, the available evidence is currently insufficient to determine the role of this variant in disease. Therefore, it has been classified as a Variant of Uncertain Significance.

All of Us Research Program, National Institutes of Health
Classification: Uncertain significance for Catecholaminergic polymorphic ventricular tachycardia. Last evaluated: 2024-07-20. Review status: criteria provided, single submitter. Criteria: ACMG Guidelines, 2015. Collection method: clinical testing. Allele origin: germline. Inheritance: Autosomal dominant inheritance. Observed: 3 variant alleles, 3 heterozygotes.
Comment: This missense variant replaces arginine with cysteine at codon 801 of the RYR2 protein. Computational prediction is inconclusive regarding the impact of this variant on protein structure and function (internally defined REVEL score threshold 0.5 < inconclusive < 0.7, PMID: 27666373). To our knowledge, functional studies have not been reported for this variant. This variant has been reported in an individual affected with hypertrophic cardiomyopathy (PMID: 25351510). This variant has been identified in 1/231300 chromosomes in the general population by the Genome Aggregation Database (gnomAD). The available evidence is insufficient to determine the role of this variant in disease conclusively. Therefore, this variant is classified as a Variant of Uncertain Significance.

This study involves interpretation of variants in research participants for the purpose of population health screening. Participant phenotype was not available at the time of variant classification. Additional details can be found in publication PMID: 35346344, PMCID: PMC8962531

Color Diagnostics, LLC DBA Color Health
Classification: Uncertain significance for Cardiomyopathy. Last evaluated: 2024-07-15. Review status: criteria provided, single submitter. Criteria: ACMG Guidelines, 2015. Collection method: clinical testing. Allele origin: germline.
Comment: This missense variant replaces arginine with cysteine at codon 801 of the RYR2 protein. Computational prediction is inconclusive regarding the impact of this variant on protein structure and function (internally defined REVEL score threshold 0.5 < inconclusive < 0.7, PMID: 27666373). To our knowledge, functional studies have not been reported for this variant. This variant has been reported in an individual affected with hypertrophic cardiomyopathy (PMID: 25351510). This variant has been identified in 1/231300 chromosomes in the general population by the Genome Aggregation Database (gnomAD). The available evidence is insufficient to determine the role of this variant in disease conclusively. Therefore, this variant is classified as a Variant of Uncertain Significance.

Ambry Genetics
Classification: Uncertain significance for Cardiovascular phenotype. Last evaluated: 2024-03-25. Review status: criteria provided, single submitter. Criteria: Ambry Variant Classification Scheme 2023. Collection method: clinical testing. Allele origin: germline.
Comment: The p.R801C variant (also known as c.2401C>T), located in coding exon 22 of the RYR2 gene, results from a C to T substitution at nucleotide position 2401. The arginine at codon 801 is replaced by cysteine, an amino acid with highly dissimilar properties. This alteration has been reported in a hypertrophic cardiomyopathy (HCM) cohort; however, clinical details were limited (Lopes LR et al. Heart, 2015 Feb;101:294-301). This amino acid position is highly conserved in available vertebrate species. In addition, this alteration is predicted to be deleterious by in silico analysis. Since supporting evidence is limited at this time, the clinical significance of this alteration remains unclear.

GeneDx
Classification: Uncertain significance. Last evaluated: 2019-11-05. Review status: criteria provided, single submitter. Criteria: GeneDx Variant Classification Process June 2021. Collection method: clinical testing. Allele origin: germline. Affected: yes.
Comment: Not observed at a significant frequency in large population cohorts (Lek et al., 2016); In silico analysis, which includes protein predictors and evolutionary conservation, supports a deleterious effect; Has not been previously published as pathogenic or benign to our knowledge

Women's Health and Genetics/Laboratory Corporation of America, LabCorp
Classification: Uncertain significance. Last evaluated: 2016-02-15. Review status: criteria provided, single submitter. Criteria: LabCorp Variant Classification Summary - May 2015. Collection method: clinical testing. Allele origin: germline.

Literature cited by the submitters: PubMed 25351510 (cited by 3 submitters).

NM_001035.3(RYR2):c.2401C>T (p.Arg801Cys)

Gene: RYR2 (ryanodine receptor 2; plus strand). Cytogenetic location: 1q43.
Variant type: single nucleotide variant.
Coding change: c.2401C>T on transcript NM_001035.3 (MANE Select); coding-DNA position 2401, C replaced by T.
Protein change: p.Arg801Cys; replaces arginine 801 with cysteine.
Molecular consequence: missense variant.
Genome position (GRCh38, 1-based): chr1:237,503,293, C>T. VCF-style: chr1-237503293-C-T. GRCh37 (hg19) VCF-style: chr1-237666593-C-T.
Other names: c.2401C>T, p.Arg801Cys (LRG_402t1); short protein forms R801C.
Identifiers: ClinVar variation 404180 (VCV000404180.21), dbSNP rs940667860, ClinGen allele CA16609995.
Genomic context (GRCh38, chr1:237,503,293, plus strand): 5'-AGAAAACTTTAATGTACACCAGAGATAAAATTGACTCTAACGTGCATCCTCTTTAGAGTA[C>T]GCTTTCTGCTTGGAGGGCGACATGGAGAATTCAAATTTCTTCCTCCACCTGGGTATGCTC-3'
Protein context (NP_001026.2, residues 791-811): VVSFSAGIKV[Arg801Cys]FLLGGRHGEF